The following is an entry in ClinVar:

NM_020631.6(PLEKHG5):c.1616C>T (p.Ala539Val)

Gene: PLEKHG5 (pleckstrin homology and RhoGEF domain containing G5; minus strand). Cytogenetic location: 1p36.31.
Variant type: single nucleotide variant.
Coding change: c.1616C>T on transcript NM_020631.6 (MANE Select); coding-DNA position 1616, C replaced by T.
Protein change: p.Ala539Val; replaces alanine 539 with valine.
Molecular consequence: missense variant.
Genome position (GRCh38, 1-based): chr1:6,470,570, G>A on the plus strand (C>T on the coding strand, the complement: PLEKHG5 is on the minus strand). VCF-style: chr1-6470570-G-A. GRCh37 (hg19) VCF-style: chr1-6530630-G-A.
Other names: c.1727C>T, p.Ala576Val (NM_001042663.3, NM_001265592.2); c.1616C>T, p.Ala539Val (NM_001042664.2, NM_001042665.2, NM_001265594.3 and 1 more transcripts); c.1823C>T, p.Ala608Val (NM_001265593.2); c.1616C>T (NM_020631.5); short protein forms A539V, A608V, A576V.
Identifiers: ClinVar variation 194553 (VCV000194553.32), dbSNP rs370515061, ClinGen allele CA240587.

ClinVar aggregate classification (germline): Uncertain significance. Review status: criteria provided, multiple submitters, no conflicts (2 of 4 stars). 8 submissions from 8 submitters: Uncertain significance (8). Last evaluated 2026-09-22.

Conditions:
Inborn genetic diseases. Identifiers: MedGen C0950123, MeSH D030342.
Neuronopathy, distal hereditary motor, autosomal recessive 4. Also called: NEUROPATHY, DISTAL HEREDITARY MOTOR, AUTOSOMAL RECESSIVE 4; Autosomal recessive lower motor neuron disease with childhood onset. Identifiers: Orphanet 206580, MedGen C1970211, MONDO:0012608, OMIM 611067.
Charcot-Marie-Tooth disease recessive intermediate C. Also called: CHARCOT-MARIE-TOOTH NEUROPATHY, RECESSIVE INTERMEDIATE C. Identifiers: Orphanet 369867, MedGen C3809309, MONDO:0014154, OMIM 615376.

Allele frequency attached by ClinVar (database versions not stated): ExAC 0.00036; gnomAD 0.00015; ESP Exome Variant Server 0.00039; 1000 Genomes Project 30x 0.00016; gnomAD exomes 0.00020 and 0.00025; TOPMed 0.00020.
gnomAD v4.1: 298 of 1,571,862 alleles (0.019%); highest among the groups gnomAD compares: Non-Finnish European, 0.024%; no homozygotes.

Submissions (8):

GeneDx
Classification: Uncertain significance. Last evaluated: 2026-09-22. Review status: criteria provided, single submitter. Criteria: GeneDx Variant Classification Process June 2021. Collection method: clinical testing. Allele origin: germline.
Comment: In silico analysis suggests that this missense variant does not alter protein structure/function; Has not been previously published as pathogenic or benign to our knowledge

Labcorp Genetics (formerly Invitae), Labcorp
Classification: Uncertain significance for Neuronopathy, distal hereditary motor, autosomal recessive 4; Charcot-Marie-Tooth disease recessive intermediate C. Last evaluated: 2025-01-15. Review status: criteria provided, single submitter. Criteria: Invitae Variant Classification Sherloc (09022015). Collection method: clinical testing. Allele origin: germline.
Comment: This sequence change replaces alanine, which is neutral and non-polar, with valine, which is neutral and non-polar, at codon 539 of the PLEKHG5 protein (p.Ala539Val). This variant is present in population databases (rs370515061, gnomAD 0.04%). This variant has not been reported in the literature in individuals affected with PLEKHG5-related conditions. ClinVar contains an entry for this variant (Variation ID: 194553). An algorithm developed to predict the effect of missense changes on protein structure and function (PolyPhen-2) suggests that this variant¬¨‚Ä†is likely to be tolerated. In summary, the available evidence is currently insufficient to determine the role of this variant in disease. Therefore, it has been classified as a Variant of Uncertain Significance.

Revvity Omics, Revvity
Classification: Uncertain significance. Last evaluated: 2024-09-09. Review status: criteria provided, single submitter. Criteria: ACMG Guidelines, 2015. Collection method: clinical testing. Allele origin: germline.

Ambry Genetics
Classification: Uncertain significance for Inborn genetic diseases. Last evaluated: 2024-01-16. Review status: criteria provided, single submitter. Criteria: Ambry Variant Classification Scheme 2023. Collection method: clinical testing. Allele origin: germline.

ARUP Laboratories, Molecular Genetics and Genomics, ARUP Laboratories
Classification: Uncertain significance. Last evaluated: 2019-03-13. Review status: criteria provided, single submitter. Criteria: ARUP Molecular Germline Variant Investigation Process. Collection method: clinical testing. Allele origin: germline.
Comment: The p.Ala539Val variant (rs370515061) has not been reported in the medical literature, gene specific variation databases, nor has it been previously identified by our laboratory. This variant is listed in the Genome Aggregation Database (gnomAD) with an overall population frequency of 0.04 percent (identified on 45 out of 100,098 chromosomes) and has been reported to the ClinVar database (Variation ID: 194553). The alanine at position 539 is moderately conserved and computational analyses of the effects of the p.Ala539Val variant on protein structure and function is neutral (SIFT: tolerated, PolyPhen-2: benign). Altogether, there is not enough evidence to classify the p.Ala539Val variant with certainty.

Illumina Laboratory Services, Illumina
Classification: Uncertain significance for Neuronopathy, distal hereditary motor, autosomal recessive 4. Last evaluated: 2018-01-13. Review status: criteria provided, single submitter. Criteria: ICSL Variant Classification Criteria 13 December 2019. Collection method: clinical testing. Allele origin: germline.

Eurofins Ntd Llc (ga)
Classification: Uncertain significance. Last evaluated: 2017-07-20. Review status: criteria provided, single submitter. Criteria: EGL Classification Definitions 2015. Collection method: clinical testing. Allele origin: germline. Observed: 1 variant allele, 1 heterozygote.

Breakthrough Genomics
Classification: Uncertain significance. Review status: criteria provided, single submitter. Criteria: ACMG Guidelines, 2015. Collection method: not provided. Allele origin: germline. Inheritance: Autosomal recessive inheritance. Affected: yes.